The following continues an entry in ClinVar:

NM_024675.4(PALB2):c.2816T>G (p.Leu939Trp)

Gene: PALB2. ClinVar aggregate classification (germline): Conflicting classifications of pathogenicity. Uncertain significance (3); Benign (10); Likely benign (13).

Submissions 22 to 38 of 38:

Laboratory for Molecular Medicine, Mass General Brigham Personalized Medicine
Classification: Uncertain significance. Last evaluated: 2016-10-27. Review status: criteria provided, single submitter. Criteria: LMM Criteria. Collection method: clinical testing. Allele origin: germline.
Comment: Variant identified in a genome or exome case(s) and assessed due to predicted null impact of the variant or pathogenic assertions in the literature or databases. Disclaimer: This variant has not undergone full assessment. The following are preliminary notes: This variant has been seen in multiple individuals with breast cancer. It is present in ExAC with a MaxMAF of 0.16%. It is classified in ClinVar with 1 star by multiple submitters: VUS by GeneDx and Peter MacCallum Cancer center, and LB/B by Invitae and Ambry.

Women's Health and Genetics/Laboratory Corporation of America, LabCorp
Classification: Benign. Last evaluated: 2016-04-11. Review status: criteria provided, single submitter. Criteria: LabCorp Variant Classification Summary - May 2015. Collection method: clinical testing. Allele origin: germline.
Comment: Variant summary: The c.2816T>G variant affects a conserved nucleotide, resulting in amino acid change from Leu to Trp. 4/4 in-silico tools predict damaging outcome for this variant (SNPs&GO not captured due to low reliability index). However, these predictions have not been validated via in vitro/vivo functional studies yet. This variant is found in 130/130096 control chromosomes at a frequency of 0.0009993, which is about 6 times of the maximal expected frequency of a pathogenic allele (0.0001563), suggesting this variant is likely a benign polymorphism. This variant has been reported in BRCA1/2 negative BrC/OvC patients without strong evidence for causality. In multiple studies, variant was detected in cases with comparable MAF as in tested controls (Thompson_BCR_2015, Ramus_JNCI_2015, etc) suggesting lack of causative effect. Moreover, there are at least two reported pedigrees showed lack of co-segregation of variant with disease (Damiola_Breast Can Res and Treat_2015), further supporting the neural effect of this variant. In addition, two clinical laboratories via ClinVar classified this variant as benign/likely benign, and one other clinical lab and PALB2 database via ClinVar classified this variant as VUS, all without evidence to independently evaluate. Taken together, this variant was classified as Benign variant.

Color Diagnostics, LLC DBA Color Health
Classification: Benign for Hereditary cancer-predisposing syndrome. Last evaluated: 2015-11-06. Review status: criteria provided, single submitter. Criteria: ACMG Guidelines, 2015. Collection method: clinical testing. Allele origin: germline.

Cancer Genetics Laboratory, Peter MacCallum Cancer Centre
Classification: Uncertain significance for Familial cancer of breast. Last evaluated: 2015-06-01. Review status: criteria provided, single submitter. Criteria: Thompson et al. (Breast Cancer Res. 2015). Collection method: case-control. Allele origin: germline. Affected: yes and no. Observed: 13 variant alleles, 12 heterozygotes, 1 homozygote.

Ambry Genetics
Classification: Benign for Hereditary cancer-predisposing syndrome. Last evaluated: 2014-08-20. Review status: criteria provided, single submitter. Criteria: Ambry Variant Classification Scheme 2023. Collection method: clinical testing. Allele origin: germline.

PreventionGenetics, part of Exact Sciences
Classification: Likely benign for PALB2-related condition. Last evaluated: 2019-09-04. Review status: no assertion criteria provided. Collection method: clinical testing. Allele origin: germline. Not counted in ClinVar's aggregate classification.
Comment: This variant is classified as likely benign based on ACMG/AMP sequence variant interpretation guidelines (Richards et al. 2015 PMID: 25741868, with internal and published modifications).

Leiden Open Variation Database
Classification: Likely benign. Last evaluated: 2019-05-13. Review status: no assertion criteria provided. Collection method: curation. Allele origin: germline. Affected: yes. Not counted in ClinVar's aggregate classification.
Comment: Curators: Marc Tischkowitz, Arleen D. Auerbach. Submitters to LOVD: Marc Tischkowitz, Melissa DeRycke.

True Health Diagnostics
Classification: Likely benign for Hereditary cancer-predisposing syndrome. Last evaluated: 2018-11-19. Review status: no assertion criteria provided. Collection method: clinical testing. Allele origin: germline. Not counted in ClinVar's aggregate classification.

Counsyl
Classification: Likely benign for Familial cancer of breast. Last evaluated: 2018-03-01. Review status: no assertion criteria provided. Collection method: clinical testing. Allele origin: unknown. Not counted in ClinVar's aggregate classification.

Clinical Genetics DNA and cytogenetics Diagnostics Lab, Erasmus MC, Erasmus Medical Center
Classification: Likely benign. Review status: no assertion criteria provided. Collection method: clinical testing. Allele origin: germline. Affected: yes. Study: VKGL Data-share Consensus. Not counted in ClinVar's aggregate classification.

Clinical Genetics Laboratory, Department of Pathology, Netherlands Cancer Institute
Classification: Likely benign. Review status: no assertion criteria provided. Collection method: clinical testing. Allele origin: germline. Affected: yes. Study: VKGL Data-share Consensus. Not counted in ClinVar's aggregate classification.

Department of Pathology and Laboratory Medicine, Sinai Health System
Classification: Likely benign for Malignant tumor of breast. Review status: no assertion criteria provided. Collection method: clinical testing. Allele origin: unknown. Affected: yes. Observed: 10 variant alleles. Study: The Canadian Open Genetics Repository (COGR). Not counted in ClinVar's aggregate classification.
Comment: The PALB2 p.Leu939Trp variant was identified in 19 of 7014 proband chromosomes (frequency: 0.003) from individuals or families with and was present in 2 of 1568 control chromosomes (frequency: 0.0013) from healthy individuals (Catucci_2014_24556926, Garcia_2009_18302019, Guenard_2010_20722467, Hofstatter_2011, Rahman_2007_17200668, Tischkowitz_2012_22241545, Wong-Brown_2014_23824750, Hellebrand_2011_21618343). The variant was also identified in the following databases: dbSNP (ID: rs45478192) as â€šÃ„ÃºWith other alleleâ€šÃ„Ã¹, ClinVar (1x as benign by Ambry Genetics, 5x as likely benign by GeneDx, Invitae, Illumina Clinical Services, 5x as uncertain significance by Cancer Genetics Laboratory, Peter MacCallum Cancer Centre Study Description, Laboratory for Molecular Medicine and PALB2 database, Clinvitae (5x), LOVD 3.0 (16x) and Zhejiang Colon Cancer Database (2x). The variant was not identified in the Cosmic, or MutDB databases. The variant was identified in control databases in 271 of 276706 chromosomes at a frequency of 0.001 increasing the likelihood this could be a low frequency variant (Genome Aggregation Database Feb 27, 2017). It was observed in the following populations: African in 10 of 23938 chromosomes (freq: 0.0004), Other in 5 of 6454 chromosomes (freq: 0.0008), Latino in 22 of 34388 chromosomes (freq: 0.0006), European Non-Finnish in 215 of 126424 chromosomes (freq: 0.002), Ashkenazi Jewish in 18 of 10138 chromosomes (freq: 0.0018), European Finnish in 1 of 25770 chromosomes (freq: 0.00004), while the variant was not observed in the East Asian, and South Asian populations. In one study, researchers indicate that both the leucine amino acids at positions 931 and 939 are conserved in all species, and are located in the WD40-repeat domain responsible for binding to BRCA2 and in a region that mediates the binding with RAD51. Of these two variants, only p.Leu931Arg was not annotated and not found in controls from this study or other previously published studies. The p.Leu939Trp variant is known to be relatively common in both breast cancer patients and in healthy controls thus indicating a more likely benign classification (Catucci_2014). The p.Leu939Trp residue is conserved across mammals and other organisms, and computational analyses (PolyPhen-2, SIFT, AlignGVGD, BLOSUM, MutationTaster) suggest that the variant may impact the protein; however, this information is not predictive enough to assume pathogenicity. The variant occurs outside of the splicing consensus sequence and in silico or computational prediction software programs (SpliceSiteFinder, MaxEntScan, NNSPLICE, GeneSplicer, HumanSpliceFinder) do not predict a difference in splicing. In summary, based on the above information the clinical significance of this variant cannot be determined with certainty at this time although we would lean towards a more benign role for this variant. This variant is classified as likely benign.

Diagnostic Laboratory, Department of Genetics, University Medical Center Groningen
Classification: Likely benign. Review status: no assertion criteria provided. Collection method: clinical testing. Allele origin: germline. Affected: yes. Study: VKGL Data-share Consensus. Not counted in ClinVar's aggregate classification.

Genome Diagnostics Laboratory, Amsterdam University Medical Center
Classification: Likely benign. Review status: no assertion criteria provided. Collection method: clinical testing. Allele origin: germline. Affected: yes. Study: VKGL Data-share Consensus. Not counted in ClinVar's aggregate classification.

Genome Diagnostics Laboratory, University Medical Center Utrecht
Classification: Likely benign. Review status: no assertion criteria provided. Collection method: clinical testing. Allele origin: germline. Affected: yes. Study: VKGL Data-share Consensus. Not counted in ClinVar's aggregate classification.

Joint Genome Diagnostic Labs from Nijmegen and Maastricht, Radboudumc and MUMC+
Classification: Likely benign. Review status: no assertion criteria provided. Collection method: clinical testing. Allele origin: germline. Affected: yes. Study: VKGL Data-share Consensus. Not counted in ClinVar's aggregate classification.

Laboratory of Diagnostic Genome Analysis, Leiden University Medical Center (LUMC)
Classification: Likely benign. Review status: no assertion criteria provided. Collection method: clinical testing. Allele origin: germline. Affected: yes. Study: VKGL Data-share Consensus. Not counted in ClinVar's aggregate classification.

Literature cited by the submitters: PubMed 26094658 (cited by Quest Diagnostics Nichols Institute San Juan Capistrano); PubMed 24448499 (cited by 3 submitters); PubMed 25186627 (cited by 3 submitters); PubMed 24556926 (cited by Quest Diagnostics Nichols Institute San Juan Capistrano and Leiden Open Variation Database); PubMed 25356972 (cited by Quest Diagnostics Nichols Institute San Juan Capistrano and Leiden Open Variation Database); PubMed 25479140 (cited by Quest Diagnostics Nichols Institute San Juan Capistrano and Leiden Open Variation Database); PubMed 27573125 (cited by Quest Diagnostics Nichols Institute San Juan Capistrano); PubMed 27153395 (cited by Quest Diagnostics Nichols Institute San Juan Capistrano); PubMed 28440294 (cited by Quest Diagnostics Nichols Institute San Juan Capistrano); PubMed 20582465 (cited by 3 submitters); PubMed 21165770 (cited by 4 submitters); PubMed 17200668 (cited by 3 submitters); PubMed 18302019 (cited by 3 submitters); PubMed 21365267 (cited by 3 submitters); PubMed 22241545 (cited by 3 submitters); PubMed 21618343 (cited by 4 submitters); PubMed 23824750 (cited by 4 submitters); PubMed 23935836 (cited by 5 submitters); PubMed 20722467 (cited by 5 submitters); PubMed 25575445 (cited by Quest Diagnostics Nichols Institute San Juan Capistrano and Counsyl); PubMed 24141787 (cited by 3 submitters); PubMed 24949998 (cited by 4 submitters); PubMed 30521987 (cited by Quest Diagnostics Nichols Institute San Juan Capistrano); PubMed 27397723 (cited by Quest Diagnostics Nichols Institute San Juan Capistrano); PubMed 26564480 (cited by Quest Diagnostics Nichols Institute San Juan Capistrano and Women's Health and Genetics/Laboratory Corporation of America, LabCorp); PubMed 26740942 (cited by Quest Diagnostics Nichols Institute San Juan Capistrano); PubMed 27328445 (cited by Quest Diagnostics Nichols Institute San Juan Capistrano); PubMed 31636395 (cited by Quest Diagnostics Nichols Institute San Juan Capistrano); PubMed 27595995 (cited by Quest Diagnostics Nichols Institute San Juan Capistrano and Counsyl); PubMed 26534844 (cited by Quest Diagnostics Nichols Institute San Juan Capistrano and Women's Health and Genetics/Laboratory Corporation of America, LabCorp); PubMed 26315354 (cited by Quest Diagnostics Nichols Institute San Juan Capistrano and Women's Health and Genetics/Laboratory Corporation of America, LabCorp); PubMed 19635604 (cited by Quest Diagnostics Nichols Institute San Juan Capistrano and Illumina Laboratory Services, Illumina); PubMed 31757951 (cited by Quest Diagnostics Nichols Institute San Juan Capistrano); PubMed 31586400 (cited by Quest Diagnostics Nichols Institute San Juan Capistrano); PubMed 30303537 (cited by Quest Diagnostics Nichols Institute San Juan Capistrano); PubMed 33512806 (cited by Quest Diagnostics Nichols Institute San Juan Capistrano); PubMed 34092963 (cited by Quest Diagnostics Nichols Institute San Juan Capistrano); PubMed 33964450 (cited by Quest Diagnostics Nichols Institute San Juan Capistrano); PubMed 27829436 (cited by Quest Diagnostics Nichols Institute San Juan Capistrano); PubMed 28279176 (cited by Quest Diagnostics Nichols Institute San Juan Capistrano); PubMed 29052111 (cited by Quest Diagnostics Nichols Institute San Juan Capistrano); PubMed 29431189 (cited by Quest Diagnostics Nichols Institute San Juan Capistrano); PubMed 27099641 (cited by Quest Diagnostics Nichols Institute San Juan Capistrano); PubMed 26283626 (cited by Quest Diagnostics Nichols Institute San Juan Capistrano and Counsyl); PubMed 25085752 (cited by Myriad Genetics, Inc.).